The following is an entry in ClinVar:

NM_004612.4(TGFBR1):c.1045A>G (p.Ile349Val)

Gene: TGFBR1 (transforming growth factor beta receptor 1; plus strand). Cytogenetic location: 9q22.33.
Variant type: single nucleotide variant.
Coding change: c.1045A>G on transcript NM_004612.4 (MANE Select); coding-DNA position 1045, A replaced by G.
Protein change: p.Ile349Val; replaces isoleucine 349 with valine.
Molecular consequence: missense variant. On other transcripts: non-coding transcript variant (4).
Genome position (GRCh38, 1-based): chr9:99,144,803, A>G. VCF-style: chr9-99144803-A-G. GRCh37 (hg19) VCF-style: chr9-101907085-A-G.
Other names: c.814A>G, p.Ile272Val (NM_001130916.3, NM_001407435.1); c.1057A>G, p.Ile353Val (NM_001306210.2); c.889A>G, p.Ile297Val (NM_001407416.1); c.877A>G, p.Ile293Val (NM_001407417.1); c.850A>G, p.Ile284Val (NM_001407418.1, NM_001407419.1, NM_001407420.1 and 1 more transcripts); c.838A>G, p.Ile280Val (NM_001407423.1, NM_001407424.1, NM_001407425.1 and 8 more transcripts); c.799A>G, p.Ile267Val (NM_001407436.1); c.337A>G, p.Ile113Val (NM_001407437.1); and 1 more; short protein forms I113V, I190V, I267V, I272V, I280V, I284V, I293V, I297V.
Identifiers: ClinVar variation 3224335 (VCV003224335.1), dbSNP rs2490237107, ClinGen allele CA374231443.

ClinVar aggregate classification (germline): Uncertain significance (1 of 4 stars; one submission).

Conditions:
Familial thoracic aortic aneurysm and aortic dissection (TAAD). Also called: Thoracic aortic aneurysms and dissections. Identifiers: Orphanet 91387, MedGen C4707243, MONDO:0019625.

Submission:

Ambry Genetics
Classification: Uncertain significance for Familial thoracic aortic aneurysm and aortic dissection. Last evaluated: 2023-10-27. Review status: criteria provided, single submitter. Criteria: Ambry Variant Classification Scheme 2023. Collection method: clinical testing. Allele origin: germline.
Comment: The p.I349V variant (also known as c.1045A>G), located in coding exon 6 of the TGFBR1 gene, results from an A to G substitution at nucleotide position 1045. The isoleucine at codon 349 is replaced by valine, an amino acid with highly similar properties. This amino acid position is conserved. In addition, this alteration is predicted to be deleterious by in silico analysis. Since supporting evidence is limited at this time, the clinical significance of this alteration remains unclear.